The following is an entry in ClinVar:

NM_003467.3(CXCR4):c.1003G>A (p.Gly335Ser)

Gene: CXCR4 (C-X-C motif chemokine receptor 4; minus strand). Cytogenetic location: 2q22.1.
Variant type: single nucleotide variant.
Coding change: c.1003G>A on transcript NM_003467.3 (MANE Select); coding-DNA position 1003, G replaced by A.
Protein change: p.Gly335Ser; replaces glycine 335 with serine.
Molecular consequence: missense variant.
Genome position (GRCh38, 1-based): chr2:136,114,925, C>T on the plus strand (G>A on the coding strand, the complement: CXCR4 is on the minus strand). VCF-style: chr2-136114925-C-T. GRCh37 (hg19) VCF-style: chr2-136872495-C-T.
Other names: c.1015G>A, p.Gly339Ser (NM_001008540.2); c.1216G>A, p.Gly406Ser (NM_001348056.2); c.1102G>A, p.Gly368Ser (NM_001348059.2); c.958G>A, p.Gly320Ser (NM_001348060.2); short protein forms G335S, G368S, G320S, G406S, G339S.
Identifiers: ClinVar variation 372600 (VCV000372600.24), dbSNP rs147214773, ClinGen allele CA1890055.

ClinVar aggregate classification (germline): Conflicting classifications of pathogenicity. Review status: criteria provided, conflicting classifications (1 of 4 stars). 7 submissions from 7 submitters: Uncertain significance (5); Likely benign (1). 1 of the submissions does not count toward it. Last evaluated 2026-01-02.

Conditions:
Warts, hypogammaglobulinemia, infections, and myelokathexis. Also called: WHIM syndrome. Identifiers: MedGen C0472817, MONDO:0023880.

Allele frequency attached by ClinVar (database versions not stated): gnomAD exomes 0.00006 and 0.00014; ESP Exome Variant Server 0.00008; gnomAD 0.00008; TOPMed 0.00009; ExAC 0.00010.
gnomAD v4.1: 210 of 1,612,178 alleles (0.013%); highest among the groups gnomAD compares: Non-Finnish European, 0.017%; no homozygotes.

Submissions (7):

Labcorp Genetics (formerly Invitae), Labcorp
Classification: Likely benign for Warts, hypogammaglobulinemia, infections, and myelokathexis. Last evaluated: 2026-01-02. Review status: criteria provided, single submitter. Criteria: Invitae Variant Classification Sherloc (09022015). Collection method: clinical testing. Allele origin: germline.

ARUP Laboratories, Molecular Genetics and Genomics, ARUP Laboratories
Classification: Uncertain significance. Last evaluated: 2024-11-01. Review status: criteria provided, single submitter. Criteria: ARUP Molecular Germline Variant Investigation Process 2024. Collection method: clinical testing. Allele origin: germline.
Comment: The CXCR4 c.1003G>A; p.Gly335Ser variant (rs147214773, ClinVar Variation ID: 372600) is reported in the literature in individuals affected with chronic lymphoid leukemia, but without clear disease association (Crowther-Swanepoel 2009, Kim 2021). This variant is found in the general population with an overall allele frequency of 0.0057% (16/279320 alleles) in the Genome Aggregation Database (v2.1.1). Computational analyses predict that this variant is neutral (REVEL: 0.121). However, given the lack of clinical and functional data, the significance of this variant is uncertain at this time. References: Crowther-Swanepoel D et al. Genetic variation in CXCR4 and risk of chronic lymphocytic leukemia. Blood. 2009 Nov 26;114(23):4843-6. PMID: 19812382. Kim J et al. Frequency of Pathogenic Germline Variants in Cancer-Susceptibility Genes in the Childhood Cancer Survivor Study. JNCI Cancer Spectr. 2021 Jan 23;5(2):pkab007. PMID: 34308104.

Blueprint Genetics
Classification: Uncertain significance. Last evaluated: 2023-03-10. Review status: criteria provided, single submitter. Criteria: ACMG Guidelines, 2015. Collection method: clinical testing. Allele origin: germline.

GeneDx
Classification: Uncertain significance. Last evaluated: 2022-11-18. Review status: criteria provided, single submitter. Criteria: GeneDx Variant Classification Process June 2021. Collection method: clinical testing. Allele origin: germline. Affected: yes.
Comment: Identified in an individual with familial chronic lymphocytic leukemia (Crowther-Swanepoel et al., 2009); however, familial segregation analysis was not performed and additional clinical details were not provided; In silico analysis supports that this missense variant does not alter protein structure/function; This variant is associated with the following publications: (PMID: 27268124, 19812382, 33735664)

Mayo Clinic Laboratories, Mayo Clinic
Classification: Uncertain significance. Last evaluated: 2019-08-19. Review status: criteria provided, single submitter. Criteria: ACMG Guidelines, 2015. Collection method: clinical testing. Allele origin: germline. Observed: 2 variant alleles.

Eurofins Ntd Llc (ga)
Classification: Uncertain significance. Last evaluated: 2018-02-26. Review status: criteria provided, single submitter. Criteria: EGL ClinVar v180209 classification definitions. Collection method: clinical testing. Allele origin: germline. Observed: 1 variant allele, 1 heterozygote.

Genetic Services Laboratory, University of Chicago
Classification: Uncertain significance. Last evaluated: 2022-09-19. Review status: no assertion criteria provided. Collection method: clinical testing. Allele origin: germline. Affected: no. Not counted in ClinVar's aggregate classification.
Comment: DNA sequence analysis of the CXCR4 gene demonstrated a sequence change, c.1003G>A, in exon 2 that results in an amino acid change, p.Gly335Ser. This sequence change does not appear to have been previously described in individuals with CXCR4-related disorders. This sequence change has been described in the gnomAD database with a frequency of 0.013% in the European subpopulation (dbSNP rs147214773). The p.Gly335Ser change affects a moderately conserved amino acid residue located in a domain of the CXCR4 protein that is known to be functional. The p.Gly335Ser substitution appears to be benign using several in-silico pathogenicity prediction tools (SIFT, PolyPhen2, Align GVGD, REVEL). This sequence change has been reported in one individual with familial chronic lymphocytic leukemia (PMID:19812382). Due to insufficient evidences and the lack of functional studies, the clinical significance of the p.Gly335Ser change remains unknown at this time.